The following is an entry in ClinVar:

ClinVar aggregate classification (germline): Uncertain significance (1 of 4 stars; one submission).

Allele frequency attached by ClinVar (database versions not stated): TOPMed 0.00003; ExAC 0.00004; gnomAD 0.00005 and 0.00006; gnomAD exomes 0.00005 and 0.00006.
gnomAD v4.1: 86 of 1,613,792 alleles (0.0053%); highest among the groups gnomAD compares: South Asian, 0.019%; no homozygotes.

Submission:

Labcorp Genetics (formerly Invitae), Labcorp
Classification: Uncertain significance. Last evaluated: 2022-06-25. Review status: criteria provided, single submitter. Criteria: Invitae Variant Classification Sherloc (09022015). Collection method: clinical testing. Allele origin: germline.
Comment: This sequence change replaces proline, which is neutral and non-polar, with leucine, which is neutral and non-polar, at codon 179 of the GRM6 protein (p.Pro179Leu). This variant is present in population databases (rs774762067, gnomAD 0.01%). This variant has not been reported in the literature in individuals affected with GRM6-related conditions. ClinVar contains an entry for this variant (Variation ID: 943210). Algorithms developed to predict the effect of missense changes on protein structure and function (SIFT, PolyPhen-2, Align-GVGD) all suggest that this variant is likely to be disruptive. In summary, the available evidence is currently insufficient to determine the role of this variant in disease. Therefore, it has been classified as a Variant of Uncertain Significance.

NM_000843.4(GRM6):c.536C>T (p.Pro179Leu)

Gene: GRM6 (glutamate metabotropic receptor 6; minus strand). Cytogenetic location: 5q35.3.
Variant type: single nucleotide variant.
Coding change: c.536C>T on transcript NM_000843.4 (MANE Select); coding-DNA position 536, C replaced by T.
Protein change: p.Pro179Leu; replaces proline 179 with leucine.
Molecular consequence: missense variant.
Genome position (GRCh38, 1-based): chr5:178,992,052, G>A on the plus strand (C>T on the coding strand, the complement: GRM6 is on the minus strand). VCF-style: chr5-178992052-G-A. GRCh37 (hg19) VCF-style: chr5-178419053-G-A.
Other names: short protein forms P179L.
Identifiers: ClinVar variation 943210 (VCV000943210.7), dbSNP rs774762067, ClinGen allele CA3594498.